The following is an entry in ClinVar:

NM_021221.3(LY6G5B):c.-3007T>C

Genes: CSNK2B (casein kinase 2 beta; plus strand), LY6G5B (lymphocyte antigen 6 family member G5B; plus strand). Cytogenetic location: 6p21.33.
Variant type: single nucleotide variant.
Coding change: c.-3007T>C on transcript NM_021221.3 (MANE Select); 3007 bases upstream of the start codon, T replaced by C.
Molecular consequence: missense variant (on NM_001320.7).
Genome position (GRCh38, 1-based): chr6:31,667,944, T>C. VCF-style: chr6-31667944-T-C. GRCh37 (hg19) VCF-style: chr6-31635721-T-C.
Other names: c.149T>C, p.Leu50Pro (NM_001282385.2, NM_001320.7); short protein forms L50P.
Identifiers: ClinVar variation 3061766 (VCV003061766.2), dbSNP rs2536958296, ClinGen allele CA363472284.

ClinVar aggregate classification (germline): Likely pathogenic. Review status: criteria provided, multiple submitters, no conflicts (2 of 4 stars). 2 submissions from 2 submitters: Likely pathogenic (2). Last evaluated 2024-03-12.

Conditions:
CSNK2B-related disorder. Also called: CSNK2B-related condition.
Poirier-Bienvenu neurodevelopmental syndrome (POBINDS). Identifiers: Orphanet 689397, MedGen C5231482, MONDO:0032889, OMIM 618732.

Submissions (2):

Institute of Human Genetics, FAU Erlangen, Friedrich-Alexander-Universität Erlangen-Nürnberg
Classification: Likely pathogenic for Poirier-Bienvenu neurodevelopmental syndrome. Last evaluated: 2024-03-12. Review status: criteria provided, single submitter. Criteria: Hauer et al. (Genet Med. 2018). Collection method: clinical testing. Allele origin: germline. Inheritance: Autosomal dominant inheritance. Affected: yes. Observed: 1 variant allele.
Comment: This variant has been identified by standard clinical testing. Selected ACMG criteria: Likely pathogenic (II):PP3;PP2;PM2;PS2

Blueprint Genetics
Classification: Likely pathogenic for CSNK2B-related disorders. Last evaluated: 2021-12-22. Review status: criteria provided, single submitter. Criteria: ACMG Guidelines, 2015. Collection method: clinical testing. Allele origin: germline. Affected: yes. Observed: 3 variant alleles.